The following is an entry in ClinVar:

ClinVar aggregate classification (germline): Uncertain significance (1 of 4 stars; one submission).

Submission:

GeneDx
Classification: Uncertain significance. Last evaluated: 2026-03-31. Review status: criteria provided, single submitter. Criteria: GeneDx Variant Classification Process June 2021. Collection method: clinical testing. Allele origin: germline.
Comment: Not observed at significant frequency in large population cohorts (gnomAD); In silico analysis supports that this missense variant has a deleterious effect on protein structure/function; Has not been previously published as pathogenic or benign to our knowledge

NM_139318.5(KCNH5):c.1329T>G (p.Asp443Glu)

Gene: KCNH5 (potassium voltage-gated channel subfamily H member 5; minus strand). Cytogenetic location: 14q23.2.
Variant type: single nucleotide variant.
Coding change: c.1329T>G on transcript NM_139318.5 (MANE Select); coding-DNA position 1329, T replaced by G.
Protein change: p.Asp443Glu; replaces aspartic acid 443 with glutamic acid.
Molecular consequence: missense variant.
Genome position (GRCh38, 1-based): chr14:62,950,173, A>C on the plus strand (T>G on the coding strand, the complement: KCNH5 is on the minus strand). VCF-style: chr14-62950173-A-C. GRCh37 (hg19) VCF-style: chr14-63416891-A-C.
Other names: c.1329T>G, p.Asp443Glu (NM_172375.3); short protein forms D443E.
Identifiers: ClinVar variation 5017778 (VCV005017778.1).